The following is an entry in ClinVar:

ClinVar aggregate classification (germline): Likely benign. Review status: criteria provided, single submitter (1 of 4 stars). 2 submissions from 2 submitters: Likely benign (1). 1 of the submissions does not count toward it. Last evaluated 2026-01-06.

Conditions:
PMM2-congenital disorder of glycosylation. Also called: PHOSPHOMANNOMUTASE 2 DEFICIENCY; CARBOHYDRATE-DEFICIENT GLYCOPROTEIN SYNDROME, TYPE Ia; PMM2-CDG; CDG Ia; Congenital disorder of glycosylation, type Ia; JAEKEN SYNDROME. Identifiers: Orphanet 79318, MedGen C0349653, MONDO:0008907, OMIM 212065.
PMM2-related disorder. Also called: PMM2-related condition.

gnomAD v4.1: 6 of 1,613,906 alleles (0.00037%); highest among the groups gnomAD compares: Non-Finnish European, 0.00051%; no homozygotes.

Submissions (2):

Labcorp Genetics (formerly Invitae), Labcorp
Classification: Likely benign for PMM2-congenital disorder of glycosylation. Last evaluated: 2026-01-06. Review status: criteria provided, single submitter. Criteria: Invitae Variant Classification Sherloc (09022015). Collection method: clinical testing. Allele origin: germline.

PreventionGenetics, part of Exact Sciences
Classification: Likely benign for PMM2-related condition. Last evaluated: 2019-10-15. Review status: no assertion criteria provided. Collection method: clinical testing. Allele origin: germline. Not counted in ClinVar's aggregate classification.
Comment: This variant is classified as likely benign based on ACMG/AMP sequence variant interpretation guidelines (Richards et al. 2015 PMID: 25741868, with internal and published modifications).

NM_000303.3(PMM2):c.708C>T (p.Asp236=)

Gene: PMM2 (phosphomannomutase 2; plus strand). Cytogenetic location: 16p13.2.
Variant type: single nucleotide variant.
Coding change: c.708C>T on transcript NM_000303.3 (MANE Select); coding-DNA position 708, C replaced by T.
Protein change: p.Asp236=; no amino-acid change (aspartic acid 236 retained).
Molecular consequence: synonymous variant.
Genome position (GRCh38, 1-based): chr16:8,847,792, C>T. VCF-style: chr16-8847792-C-T. GRCh37 (hg19) VCF-style: chr16-8941649-C-T.
Other names: c.708C>T (NM_000303.2).
Identifiers: ClinVar variation 1135075 (VCV001135075.11), dbSNP rs752495420, ClinGen allele CA493489372.